The following is an entry in ClinVar:

NM_001134363.3(RBM20):c.1982C>G (p.Pro661Arg)

Gene: RBM20 (RNA binding motif protein 20; plus strand). Cytogenetic location: 10q25.2.
Variant type: single nucleotide variant.
Coding change: c.1982C>G on transcript NM_001134363.3 (MANE Select); coding-DNA position 1982, C replaced by G.
Protein change: p.Pro661Arg; replaces proline 661 with arginine.
Molecular consequence: missense variant.
Genome position (GRCh38, 1-based): chr10:110,812,379, C>G. VCF-style: chr10-110812379-C-G. GRCh37 (hg19) VCF-style: chr10-112572137-C-G.
Other names: short protein forms P661R.
Identifiers: ClinVar variation 965264 (VCV000965264.11), dbSNP rs1251592783, ClinGen allele CA378370704.

ClinVar aggregate classification (germline): Uncertain significance. Review status: criteria provided, multiple submitters, no conflicts (2 of 4 stars). 2 submissions from 2 submitters: Uncertain significance (2). Last evaluated 2025-09-20.

Conditions:
Cardiovascular phenotype. Identifiers: MedGen CN230736.
Dilated cardiomyopathy 1DD (CMD1DD). Identifiers: Orphanet 154, MedGen C2750995, MONDO:0013168, OMIM 613172.

Allele frequency attached by ClinVar (database versions not stated): TOPMed below 0.00001; gnomAD 0.00001; gnomAD exomes 0.00001.
gnomAD v4.1: 14 of 1,551,536 alleles (0.0009%); highest among the groups gnomAD compares: Non-Finnish European, 0.0012%; no homozygotes.

Submissions (2):

Labcorp Genetics (formerly Invitae), Labcorp
Classification: Uncertain significance for Dilated cardiomyopathy 1DD. Last evaluated: 2025-09-20. Review status: criteria provided, single submitter. Criteria: Invitae Variant Classification Sherloc (09022015). Collection method: clinical testing. Allele origin: germline.
Comment: This sequence change replaces proline, which is neutral and non-polar, with arginine, which is basic and polar, at codon 661 of the RBM20 protein (p.Pro661Arg). This variant is not present in population databases (gnomAD no frequency). This variant has not been reported in the literature in individuals affected with RBM20-related conditions. ClinVar contains an entry for this variant (Variation ID: 965264). Invitae Evidence Modeling of protein sequence and biophysical properties (such as structural, functional, and spatial information, amino acid conservation, physicochemical variation, residue mobility, and thermodynamic stability) has been performed for this missense variant. However, the output from this modeling did not meet the statistical confidence thresholds required to predict the impact of this variant on RBM20 protein function. In summary, the available evidence is currently insufficient to determine the role of this variant in disease. Therefore, it has been classified as a Variant of Uncertain Significance.

Ambry Genetics
Classification: Uncertain significance for Cardiovascular phenotype. Last evaluated: 2024-04-26. Review status: criteria provided, single submitter. Criteria: Ambry Variant Classification Scheme 2023. Collection method: clinical testing. Allele origin: germline.
Comment: The p.P661R variant (also known as c.1982C>G), located in coding exon 9 of the RBM20 gene, results from a C to G substitution at nucleotide position 1982. The proline at codon 661 is replaced by arginine, an amino acid with dissimilar properties. This amino acid position is highly conserved in available vertebrate species. In addition, this alteration is predicted to be deleterious by in silico analysis. Since supporting evidence is limited at this time, the clinical significance of this alteration remains unclear.